The following is an entry in ClinVar:

NM_004655.4(AXIN2):c.2228C>T (p.Ala743Val)

Gene: AXIN2 (axin 2; minus strand). Cytogenetic location: 17q24.1.
Variant type: single nucleotide variant.
Coding change: c.2228C>T on transcript NM_004655.4 (MANE Select); coding-DNA position 2228, C replaced by T.
Protein change: p.Ala743Val; replaces alanine 743 with valine.
Molecular consequence: missense variant.
Genome position (GRCh38, 1-based): chr17:65,535,635, G>A on the plus strand (C>T on the coding strand, the complement: AXIN2 is on the minus strand). VCF-style: chr17-65535635-G-A. GRCh37 (hg19) VCF-style: chr17-63531753-G-A.
Other names: c.2228C>T (LRG_296t1); c.2033C>T, p.Ala678Val (NM_001363813.1); short protein forms A743V, A678V.
Identifiers: ClinVar variation 408837 (VCV000408837.15), dbSNP rs969592225, ClinGen allele CA16615559.

ClinVar aggregate classification (germline): Conflicting classifications of pathogenicity. Review status: criteria provided, conflicting classifications (1 of 4 stars). 2 submissions from 2 submitters: Uncertain significance (1); Likely benign (1). Last evaluated 2025-08-19.

Conditions:
Hereditary cancer-predisposing syndrome. Also called: Hereditary Cancer Syndrome; Hereditary neoplastic syndrome; Neoplastic Syndromes, Hereditary; Tumor predisposition. Identifiers: Orphanet 140162, MedGen C0027672, MeSH D009386, MONDO:0015356.
Oligodontia-cancer predisposition syndrome. Also called: TOOTH AGENESIS-COLORECTAL CANCER SYNDROME. Identifiers: Orphanet 300576, MedGen C1837750, MONDO:0012075, OMIM 608615. Disease mechanism: loss of function.

Allele frequency attached by ClinVar (database versions not stated): gnomAD exomes below 0.00001; TOPMed 0.00001.
gnomAD v4.1: 2 of 1,614,122 alleles (0.00012%); highest among the groups gnomAD compares: Non-Finnish European, 0.000085%; no homozygotes.

Submissions (2):

Labcorp Genetics (formerly Invitae), Labcorp
Classification: Uncertain significance for Oligodontia-cancer predisposition syndrome. Last evaluated: 2025-08-19. Review status: criteria provided, single submitter. Criteria: Invitae Variant Classification Sherloc (09022015). Collection method: clinical testing. Allele origin: germline.
Comment: This sequence change replaces alanine, which is neutral and non-polar, with valine, which is neutral and non-polar, at codon 743 of the AXIN2 protein (p.Ala743Val). This variant is not present in population databases (gnomAD no frequency). This missense change has been observed in individual(s) with AXIN2-related conditions (PMID: 38170500). ClinVar contains an entry for this variant (Variation ID: 408837). An algorithm developed to predict the effect of missense changes on protein structure and function outputs the following: PolyPhen-2: "Benign". The valine amino acid residue is found in multiple mammalian species, which suggests that this missense change does not adversely affect protein function. In summary, the available evidence is currently insufficient to determine the role of this variant in disease. Therefore, it has been classified as a Variant of Uncertain Significance.

Ambry Genetics
Classification: Likely benign for Hereditary cancer-predisposing syndrome. Last evaluated: 2025-02-21. Review status: criteria provided, single submitter. Criteria: Ambry Variant Classification Scheme 2023. Collection method: clinical testing. Allele origin: germline.

Literature cited by the submitters: PubMed 38170500 (cited by Labcorp Genetics (formerly Invitae), Labcorp).